The following is an entry in ClinVar:

ClinVar aggregate classification (germline): Likely benign. Review status: criteria provided, single submitter (1 of 4 stars). 2 submissions from 1 submitter: Likely benign (2). Last evaluated 2018-01-13.

Conditions:
Jervell and Lange-Nielsen syndrome 2 (JLNS2). Identifiers: Orphanet 768, Orphanet 90647, MedGen C2676723, MONDO:0012871, OMIM 612347.
Long QT syndrome 5 (LQT5). Identifiers: Orphanet 101016, Orphanet 768, MedGen C1867904, MONDO:0013372, OMIM 613695.

Allele frequency attached by ClinVar (database versions not stated): 1000 Genomes Project 0.00180; gnomAD 0.00188.

Submissions (2):

Illumina Laboratory Services, Illumina
Classification: Likely benign for Long QT syndrome 5. Last evaluated: 2018-01-13. Review status: criteria provided, single submitter. Criteria: ICSL Variant Classification Criteria 13 December 2019. Collection method: clinical testing. Allele origin: germline.
Comment: This variant was observed in the ICSL laboratory as part of a predisposition screen in an ostensibly healthy population. It had not been previously curated by ICSL or reported in the Human Gene Mutation Database (HGMD: prior to June 1st, 2018), and was therefore a candidate for classification through an automated scoring system. Utilizing variant allele frequency, disease prevalence and penetrance estimates, and inheritance mode, an automated score was calculated to assess if this variant is too frequent to cause the disease. Based on the score and internal cut-off values, a variant classified as likely benign is not then subjected to further curation. The score for this variant resulted in a classification of likely benign for this disease.

Illumina Laboratory Services, Illumina
Classification: Likely benign for Jervell and Lange-Nielsen syndrome 2. Last evaluated: 2018-01-13. Review status: criteria provided, single submitter. Criteria: ICSL Variant Classification Criteria 13 December 2019. Collection method: clinical testing. Allele origin: germline.
Comment: the same text as in the submission from Illumina Laboratory Services, Illumina above.

NM_000219.6(KCNE1):c.*817A>G

Gene: KCNE1 (potassium voltage-gated channel subfamily E regulatory subunit 1; minus strand). Cytogenetic location: 21q22.12.
Variant type: single nucleotide variant.
Coding change: c.*817A>G on transcript NM_000219.6 (MANE Select); 817 bases downstream of the stop codon, A replaced by G.
Molecular consequence: 3 prime UTR variant.
Genome position (GRCh38, 1-based): chr21:34,448,428, T>C on the plus strand (A>G on the coding strand, the complement: KCNE1 is on the minus strand). VCF-style: chr21-34448428-T-C. GRCh37 (hg19) VCF-style: chr21-35820726-T-C.
Other names: c.*817A>G (NM_001127668.4, NM_001127669.4, NM_001127670.4 and 4 more transcripts).
Identifiers: ClinVar variation 339758 (VCV000339758.6), dbSNP rs75375964, ClinGen allele CA10653529.
Genomic context (GRCh38, chr21:34,448,428, plus strand): 5'-TCCTCCATCTCAGCCCTGTACAAAGCAAGTTCTTTCTAGATTGAGGTGTGTATGTGTGTC[T>C]ATGTATATGAGTGTATGTGCCTGTGTGTTTTCAGGGAGATGTGTGCAGGATGGGTGCAAG-3'